The following is an entry in ClinVar:

NM_007294.4(BRCA1):c.2468G>C (p.Arg823Thr)

Gene: BRCA1 (BRCA1 DNA repair associated; minus strand). Cytogenetic location: 17q21.31.
Variant type: single nucleotide variant.
Coding change: c.2468G>C on transcript NM_007294.4 (MANE Select); coding-DNA position 2468, G replaced by C.
Protein change: p.Arg823Thr; replaces arginine 823 with threonine.
Molecular consequence: missense variant. On other transcripts: intron variant (137).
Genome position (GRCh38, 1-based): chr17:43,093,063, C>G on the plus strand (G>C on the coding strand, the complement: BRCA1 is on the minus strand). VCF-style: chr17-43093063-C-G. GRCh37 (hg19) VCF-style: chr17-41245080-C-G.
Other names: c.2255G>C, p.Arg752Thr (NM_001407571.1, NM_001407853.1, NM_001407894.1 and 9 more transcripts); c.2468G>C, p.Arg823Thr (NM_001407581.1, NM_001407582.1, NM_001407583.1 and 30 more transcripts); c.2465G>C, p.Arg822Thr (NM_001407587.1, NM_001407590.1, NM_001407591.1 and 22 more transcripts); c.2459G>C, p.Arg820Thr (NM_001407646.1, NM_001407647.1); c.2345G>C, p.Arg782Thr (NM_001407648.1, NM_001407664.1, NM_001407665.1 and 19 more transcripts); c.2342G>C, p.Arg781Thr (NM_001407649.1, NM_001407670.1, NM_001407671.1 and 11 more transcripts); c.2390G>C, p.Arg797Thr (NM_001407653.1, NM_001407654.1, NM_001407655.1 and 4 more transcripts); c.2387G>C, p.Arg796Thr (NM_001407659.1, NM_001407660.1, NM_001407661.1 and 1 more transcripts); and 41 more; short protein forms R823T, R776T, R655T, R695T, R734T, R781T, R796T, R527T.
Identifiers: ClinVar variation 485401 (VCV000485401.10), dbSNP rs876659731, ClinGen allele CA10597068.

ClinVar aggregate classification (germline): Conflicting classifications of pathogenicity. Review status: criteria provided, conflicting classifications (1 of 4 stars). 3 submissions from 3 submitters: Uncertain significance (2); Likely benign (1). Last evaluated 2024-04-11.

Conditions:
Hereditary cancer-predisposing syndrome. Also called: Tumor predisposition; Hereditary Cancer Syndrome; Neoplastic Syndromes, Hereditary; Hereditary neoplastic syndrome. Identifiers: Orphanet 140162, MedGen C0027672, MeSH D009386, MONDO:0015356.

Submissions (3):

Ambry Genetics
Classification: Uncertain significance for Hereditary cancer-predisposing syndrome. Last evaluated: 2024-04-11. Review status: criteria provided, single submitter. Criteria: Ambry Variant Classification Scheme 2023. Collection method: clinical testing. Allele origin: germline.
Comment: The p.R823T variant (also known as c.2468G>C), located in coding exon 9 of the BRCA1 gene, results from a G to C substitution at nucleotide position 2468. The arginine at codon 823 is replaced by threonine, an amino acid with similar properties. This amino acid position is not well conserved in available vertebrate species. In addition, the in silico prediction for this alteration is inconclusive. Since supporting evidence is limited at this time, the clinical significance of this alteration remains unclear.

Blueprint Genetics
Classification: Uncertain significance. Last evaluated: 2024-04-09. Review status: criteria provided, single submitter. Criteria: ACMG Guidelines, 2015. Collection method: clinical testing. Allele origin: germline.

University of Washington Department of Laboratory Medicine, University of Washington
Classification: Likely benign for Hereditary cancer-predisposing syndrome. Last evaluated: 2023-03-23. Review status: criteria provided, single submitter. Criteria: Dines et al. (Genet Med. 2020). Collection method: curation. Allele origin: germline.
Comment: Missense variant in a coldspot region where missense variants are very unlikely to be pathogenic (PMID:31911673).

BRCA1 coldspot (exon 11 using historical exon numbering). Reclassification based on statistical prior probability